The following is an entry in ClinVar:

NM_018712.4(ELMOD1):c.54A>G (p.Lys18=)

Gene: ELMOD1 (ELMO domain containing 1; plus strand). Cytogenetic location: 11q22.3.
Variant type: single nucleotide variant.
Coding change: c.54A>G on transcript NM_018712.4 (MANE Select); coding-DNA position 54, A replaced by G.
Protein change: p.Lys18=; no amino-acid change (lysine 18 retained).
Molecular consequence: synonymous variant.
Genome position (GRCh38, 1-based): chr11:107,630,453, A>G. VCF-style: chr11-107630453-A-G. GRCh37 (hg19) VCF-style: chr11-107501179-A-G.
Other names: c.54A>G, p.Lys18= (NM_001130037.2); c.36A>G, p.Lys12= (NM_001308018.2).
Identifiers: ClinVar variation 2642355 (VCV002642355.24), dbSNP rs35291603, ClinGen allele CA6261498.

ClinVar aggregate classification (germline): Likely benign (1 of 4 stars; one submission).

Allele frequency attached by ClinVar (database versions not stated): 1000 Genomes Project 30x 0.00016; TOPMed 0.00123; gnomAD 0.00128; ExAC 0.00172; ESP Exome Variant Server 0.00185; gnomAD exomes 0.00238.
gnomAD v4.1: 3,567 of 1,603,900 alleles (0.22%); highest among the groups gnomAD compares: Non-Finnish European, 0.29%; 7 homozygotes.

Submission:

CeGaT Center for Human Genetics Tuebingen
Classification: Likely benign. Last evaluated: 2023-02-01. Review status: criteria provided, single submitter. Criteria: CeGaT Center For Human Genetics Tuebingen Variant Classification Criteria Version 2. Collection method: clinical testing. Allele origin: germline. Affected: yes. Observed: 1 variant allele.
Comment: ELMOD1: BS2